The following is an entry in ClinVar:

NM_152328.5(ADSS1):c.233_234del (p.Lys78fs)

Gene: ADSS1 (adenylosuccinate synthase 1; plus strand). Cytogenetic location: 14q32.33.
Variant type: Deletion.
Coding change: c.233_234del on transcript NM_152328.5 (MANE Select); coding-DNA positions 233 to 234, 2 bases deleted (AA; older notation c.233_234delAA).
Protein change: p.Lys78fs; shifts the reading frame from lysine 78.
Molecular consequence: frameshift variant. On other transcripts: 5 prime UTR variant (1).
Genome position (GRCh38, 1-based): chr14:104,735,060-104,735,061, AA deleted; deleting any 2 consecutive bases within chr14:104,735,059-104,735,061 gives the same sequence; the c. name uses the placement nearest the transcript's 3' end. VCF-style (leftmost placement, unchanged base first): chr14-104735058-GAA-G. GRCh37 (hg19) VCF-style: chr14-105201395-GAA-G.
Other names: c.-366_-365del (NM_001320424.1); c.362_363del, p.Lys121fs (NM_199165.2); short protein forms K121fs, K78fs.
Identifiers: ClinVar variation 1072836 (VCV001072836.8), dbSNP rs1175622794, ClinGen allele CA616445901.
Genomic context (GRCh38, chr14:104,735,058, plus strand): 5'-CTCAGCCGGGTTTCTGTTCCAGGGGGGCAACAACGCCGGCCACACGGTGGTGGTGGATGG[GAA>G]AGAGTACGACTTCCACCTGCTGCCCAGCGGCATCATCAACACCAAGGCCGTGTCCTTCAT-3'

ClinVar aggregate classification (germline): Pathogenic (1 of 4 stars; one submission).

Submission:

Labcorp Genetics (formerly Invitae), Labcorp
Classification: Pathogenic. Last evaluated: 2024-10-01. Review status: criteria provided, single submitter. Criteria: Invitae Variant Classification Sherloc (09022015). Collection method: clinical testing. Allele origin: germline.
Comment: This sequence change creates a premature translational stop signal (p.Lys121Argfs*33) in the ADSSL1 gene. It is expected to result in an absent or disrupted protein product. Loss-of-function variants in ADSSL1 are known to be pathogenic (PMID: 26506222). This variant is present in population databases (no rsID available, gnomAD 0.006%). This variant has not been reported in the literature in individuals affected with ADSSL1-related conditions. ClinVar contains an entry for this variant (Variation ID: 1072836). For these reasons, this variant has been classified as Pathogenic.

Literature cited by the submitters: PubMed 26506222.